The following is an entry in ClinVar:

NM_000260.4(MYO7A):c.5938A>G (p.Lys1980Glu)

Gene: MYO7A (myosin VIIA; plus strand). Cytogenetic location: 11q13.5.
Variant type: single nucleotide variant.
Coding change: c.5938A>G on transcript NM_000260.4 (MANE Select); coding-DNA position 5938, A replaced by G.
Protein change: p.Lys1980Glu; replaces lysine 1980 with glutamic acid.
Molecular consequence: missense variant.
Genome position (GRCh38, 1-based): chr11:77,208,511, A>G. VCF-style: chr11-77208511-A-G. GRCh37 (hg19) VCF-style: chr11-76919556-A-G.
Other names: c.5824A>G, p.Lys1942Glu (NM_001127180.2); c.5791A>G, p.Lys1931Glu (NM_001369365.1); short protein forms K1931E, K1942E, K1980E.
Identifiers: ClinVar variation 1312450 (VCV001312450.2), dbSNP rs2135758772, ClinGen allele CA381933839.

ClinVar aggregate classification (germline): Uncertain significance (1 of 4 stars; one submission).

Allele frequency attached by ClinVar (database versions not stated): gnomAD exomes below 0.00001.

Submission:

GeneDx
Classification: Uncertain significance. Last evaluated: 2021-10-11. Review status: criteria provided, single submitter. Criteria: GeneDx Variant Classification Process June 2021. Collection method: clinical testing. Allele origin: germline. Affected: yes.
Comment: Not observed in large population cohorts (Lek et al., 2016); In silico analysis, which includes protein predictors and evolutionary conservation, supports a deleterious effect; Has not been previously published as pathogenic or benign to our knowledge